The following is an entry in ClinVar:

ClinVar aggregate classification (germline): Uncertain significance (1 of 4 stars; one submission).

Conditions:
SHORT syndrome. Also called: SHORT STATURE, HYPEREXTENSIBILITY, HERNIA, OCULAR DEPRESSION, RIEGER ANOMALY, AND TEETHING DELAY; LIPODYSTROPHY, PARTIAL, WITH RIEGER ANOMALY AND SHORT STATURE; PIK3R1-Related SHORT Syndrome. Identifiers: Orphanet 3163, MedGen C0878684, MONDO:0010026, OMIM 269880.
Agammaglobulinemia 7, autosomal recessive (AGM7). Also called: AGAMMAGLOBULINEMIA, AUTOSOMAL RECESSIVE, DUE TO PIK3R1 DEFECT. Identifiers: MedGen C3554689, MONDO:0014083, OMIM 615214.
Immunodeficiency 36 with lymphoproliferation. Also called: Immunodeficiency 36; ACTIVATED PI3K-DELTA SYNDROME 2; Activated PI3K Delta Syndrome Type 2 (APDS2). Identifiers: Orphanet 397596, Orphanet 693681, MedGen C4014934, MONDO:0014453, OMIM 616005.

Allele frequency attached by ClinVar (database versions not stated): gnomAD exomes below 0.00001.
gnomAD v4.1: 2 of 1,613,464 alleles (0.00012%); highest among the groups gnomAD compares: Non-Finnish European, 0.00017%; no homozygotes.

Submission:

Labcorp Genetics (formerly Invitae), Labcorp
Classification: Uncertain significance for SHORT syndrome; Immunodeficiency 36 with lymphoproliferation; Agammaglobulinemia 7, autosomal recessive. Last evaluated: 2023-12-15. Review status: criteria provided, single submitter. Criteria: Invitae Variant Classification Sherloc (09022015). Collection method: clinical testing. Allele origin: germline.
Comment: This sequence change replaces aspartic acid, which is acidic and polar, with tyrosine, which is neutral and polar, at codon 173 of the PIK3R1 protein (p.Asp173Tyr). This variant is not present in population databases (gnomAD no frequency). This variant has not been reported in the literature in individuals affected with PIK3R1-related conditions. An algorithm developed to predict the effect of missense changes on protein structure and function (PolyPhen-2) suggests that this variant is likely to be tolerated. In summary, the available evidence is currently insufficient to determine the role of this variant in disease. Therefore, it has been classified as a Variant of Uncertain Significance.

NM_181523.3(PIK3R1):c.517G>T (p.Asp173Tyr)

Gene: PIK3R1 (phosphoinositide-3-kinase regulatory subunit 1; plus strand). Cytogenetic location: 5q13.1.
Variant type: single nucleotide variant.
Coding change: c.517G>T on transcript NM_181523.3 (MANE Select); coding-DNA position 517, G replaced by T.
Protein change: p.Asp173Tyr; replaces aspartic acid 173 with tyrosine.
Molecular consequence: missense variant.
Genome position (GRCh38, 1-based): chr5:68,279,616, G>T. VCF-style: chr5-68279616-G-T. GRCh37 (hg19) VCF-style: chr5-67575444-G-T.
Other names: short protein forms D173Y.
Identifiers: ClinVar variation 2921443 (VCV002921443.3), dbSNP rs1746736851, ClinGen allele CA359873730.